The following is an entry in ClinVar:

NM_213599.3(ANO5):c.649-166A>G

Gene: ANO5 (anoctamin 5; plus strand). Cytogenetic location: 11p14.3.
Variant type: single nucleotide variant.
Coding change: c.649-166A>G on transcript NM_213599.3 (MANE Select); 166 bases into the intron before coding-DNA position 649, A replaced by G.
Molecular consequence: intron variant.
Genome position (GRCh38, 1-based): chr11:22,235,997, A>G. VCF-style: chr11-22235997-A-G. GRCh37 (hg19) VCF-style: chr11-22257543-A-G.
Other names: c.646-166A>G (NM_001142649.2).
Identifiers: ClinVar variation 140562 (VCV000140562.2), dbSNP rs4534588, ClinGen allele CA232799.
Genomic context (GRCh38, chr11:22,235,997, plus strand): 5'-CCCCTGCACCCCATCAAATGAATGCTCTCAGACTCAGAAGCTAAAATATCTGCAAACTCC[A>G]TATAATCCCTCACTCTACATCTTCCTGACAACCAAGAGAAGCTTCTTTCTATAATTAGAG-3'

ClinVar aggregate classification (germline): Benign. Review status: criteria provided, single submitter (1 of 4 stars). 2 submissions from 2 submitters: Benign (1). 1 of the submissions does not count toward it. Last evaluated 2018-06-19.

Allele frequency attached by ClinVar (database versions not stated): gnomAD 0.15024 and 0.15597; TOPMed 0.16858; 1000 Genomes Project 0.21186; 1000 Genomes Project 30x 0.21658.
gnomAD v4.1: 22,637 of 152,120 alleles (15%); highest among the groups gnomAD compares: African/African-American, 47%; 4,904 homozygotes.

Submissions (2):

GeneDx
Classification: Benign. Last evaluated: 2018-06-19. Review status: criteria provided, single submitter. Criteria: GeneDx Variant Classification (06012015). Collection method: clinical testing. Allele origin: germline. Affected: yes.
Comment: This variant is considered likely benign or benign based on one or more of the following criteria: it is a conservative change, it occurs at a poorly conserved position in the protein, it is predicted to be benign by multiple in silico algorithms, and/or has population frequency not consistent with disease.

ANO5 @LOVD
No classification provided. Review status: no classification provided. Collection method: not provided. Allele origin: unknown. Not counted in ClinVar's aggregate classification.